The following is an entry in ClinVar:

ClinVar aggregate classification (germline): Benign/Likely benign. Review status: criteria provided, multiple submitters, no conflicts (2 of 4 stars). 9 submissions from 9 submitters: Benign (3); Likely benign (5). 1 of the submissions does not count toward it. Last evaluated 2026-01-13.

Conditions:
Familial ovarian cancer. Identifiers: MedGen C5679802, MONDO:0016248.
Familial cancer of breast. Also called: BREAST CANCER, FAMILIAL; Hereditary breast cancer; hereditary breast carcinoma. Identifiers: Orphanet 227535, MedGen C0346153, MONDO:0016419, OMIM 114480. Disease mechanism: loss of function.
Hereditary cancer-predisposing syndrome. Also called: Neoplastic Syndromes, Hereditary; Tumor predisposition; Hereditary neoplastic syndrome; Hereditary Cancer Syndrome. Identifiers: Orphanet 140162, MedGen C0027672, MeSH D009386, MONDO:0015356.
Fanconi anemia complementation group J. Also called: BRIP1-Related Fanconi Anemia. Identifiers: Orphanet 84, MedGen C1836860, MONDO:0012187, OMIM 609054.
BRIP1-related disorder. Also called: BRIP1-related condition; BRIP1-related disorders. Identifiers: MedGen CN239206.

Allele frequency attached by ClinVar (database versions not stated): gnomAD 0.00004 and 0.00006; TOPMed 0.00004; gnomAD exomes 0.00006 and 0.00010; ExAC 0.00010; 1000 Genomes Project 30x 0.00031; 1000 Genomes Project 0.00040.
gnomAD v4.1: 94 of 1,611,938 alleles (0.0058%); highest among the groups gnomAD compares: East Asian, 0.21%; 1 homozygote.

Submissions (9):

Labcorp Genetics (formerly Invitae), Labcorp
Classification: Benign for Familial cancer of breast; Fanconi anemia complementation group J. Last evaluated: 2026-01-13. Review status: criteria provided, single submitter. Criteria: Invitae Variant Classification Sherloc (09022015). Collection method: clinical testing. Allele origin: germline.

Molecular Pathology, Peter Maccallum Cancer Centre
Classification: Likely benign for Familial ovarian cancer. Last evaluated: 2025-04-16. Review status: criteria provided, single submitter. Criteria: ACMG Guidelines, 2015. Collection method: clinical testing. Allele origin: germline. Inheritance: Autosomal dominant inheritance.

Myriad Genetics, Inc.
Classification: Likely benign for Familial cancer of breast. Last evaluated: 2024-08-30. Review status: criteria provided, single submitter. Criteria: Myriad Autosomal Dominant, Autosomal Recessive and X-Linked Classification Criteria (2023). Collection method: clinical testing. Allele origin: unknown.
Comment: This variant is considered likely benign. This variant is intronic and is not expected to impact mRNA splicing.

Department of Pathology and Laboratory Medicine, Sinai Health System
Classification: Likely benign for Familial cancer of breast. Last evaluated: 2021-10-13. Review status: criteria provided, single submitter. Criteria: ACMG Guidelines, 2015. Collection method: clinical testing. Allele origin: germline. Affected: yes.

Quest Diagnostics Nichols Institute San Juan Capistrano
Classification: Likely benign. Last evaluated: 2018-06-06. Review status: criteria provided, single submitter. Criteria: Quest Diagnostics criteria. Collection method: clinical testing. Allele origin: germline.

Women's Health and Genetics/Laboratory Corporation of America, LabCorp
Classification: Benign. Last evaluated: 2017-05-15. Review status: criteria provided, single submitter. Criteria: LabCorp Variant Classification Summary - May 2015. Collection method: clinical testing. Allele origin: germline.
Comment: Variant summary: The BRIP1 c.1935+7T>C variant involves the alteration of a non-conserved intronic nucleotide. One in silico tool predicts a benign outcome for this variant. 4/5 splice prediction tools predict no significant impact on normal splicing. However, these predictions have yet to be confirmed by functional studies. This variant was found in 12/121040 control chromosomes, predominantly observed in the East Asian subpopulation at a frequency of 0.001388 (12/8646). This frequency is about 22 times the estimated maximal expected allele frequency of a pathogenic BRIP1 variant (0.0000625), suggesting this is likely a benign polymorphism found primarily in the populations of East Asian origin. In addition, multiple clinical diagnostic laboratories/reputable databases classified this variant as likely benign/benign. The variant of interest has not, to our knowledge, been reported in affected individuals via publications nor evaluated for functional impact by in vivo/vitro studies. Taken together, this variant is classified as benign.

Color Diagnostics, LLC DBA Color Health
Classification: Likely benign for Hereditary cancer-predisposing syndrome. Last evaluated: 2015-10-29. Review status: criteria provided, single submitter. Criteria: ACMG Guidelines, 2015. Collection method: clinical testing. Allele origin: germline.

GeneDx
Classification: Benign. Last evaluated: 2015-07-21. Review status: criteria provided, single submitter. Criteria: GeneDx Variant Classification (06012015). Collection method: clinical testing. Allele origin: germline. Affected: yes.
Comment: This variant is considered likely benign or benign based on one or more of the following criteria: it is a conservative change, it occurs at a poorly conserved position in the protein, it is predicted to be benign by multiple in silico algorithms, and/or has population frequency not consistent with disease.

PreventionGenetics, part of Exact Sciences
Classification: Likely benign for BRIP1-related condition. Last evaluated: 2020-12-23. Review status: no assertion criteria provided. Collection method: clinical testing. Allele origin: germline. Not counted in ClinVar's aggregate classification.
Comment: This variant is classified as likely benign based on ACMG/AMP sequence variant interpretation guidelines (Richards et al. 2015 PMID: 25741868, with internal and published modifications).

NM_032043.3(BRIP1):c.1935+7T>C

Gene: BRIP1 (BRCA1 interacting DNA helicase 1; minus strand). Cytogenetic location: 17q23.2.
Variant type: single nucleotide variant.
Coding change: c.1935+7T>C on transcript NM_032043.3 (MANE Select); 7 bases into the intron after coding-DNA position 1935, T replaced by C.
Molecular consequence: intron variant.
Genome position (GRCh38, 1-based): chr17:61,780,254, A>G on the plus strand (T>C on the coding strand, the complement: BRIP1 is on the minus strand). VCF-style: chr17-61780254-A-G. GRCh37 (hg19) VCF-style: chr17-59857615-A-G.
Identifiers: ClinVar variation 241633 (VCV000241633.20), dbSNP rs201024366, ClinGen allele CA8690633.